The following is an entry in ClinVar:

NM_000466.3(PEX1):c.3385T>C (p.Tyr1129His)

Genes: GATAD1 (GATA zinc finger domain containing 1; plus strand), PEX1 (peroxisomal biogenesis factor 1; minus strand). Cytogenetic location: 7q21.2.
Variant type: single nucleotide variant.
Coding change: c.3385T>C on transcript NM_000466.3 (MANE Select); coding-DNA position 3385, T replaced by C.
Protein change: p.Tyr1129His; replaces tyrosine 1129 with histidine.
Molecular consequence: missense variant.
Genome position (GRCh38, 1-based): chr7:92,491,325, A>G on the plus strand (T>C on the coding strand, the complement: PEX1 is on the minus strand). VCF-style: chr7-92491325-A-G. GRCh37 (hg19) VCF-style: chr7-92120639-A-G.
Other names: c.3214T>C, p.Tyr1072His (NM_001282677.2); c.2761T>C, p.Tyr921His (NM_001282678.2); short protein forms Y1072H, Y1129H, Y921H.
Identifiers: ClinVar variation 4688292 (VCV004688292.1).

ClinVar aggregate classification (germline): Uncertain significance (1 of 4 stars; one submission).

gnomAD v4.1: 1 of 1,614,066 alleles (0.000062%); highest among the groups gnomAD compares: Middle Eastern, 0.016%; no homozygotes.

Submission:

Women's Health and Genetics/Laboratory Corporation of America, LabCorp
Classification: Uncertain significance. Last evaluated: 2025-12-15. Review status: criteria provided, single submitter. Criteria: LabCorp Variant Classification Summary - May 2015. Collection method: clinical testing. Allele origin: germline.
Comment: Variant summary: PEX1 c.3385T>C (p.Tyr1129His) results in a conservative amino acid change in the encoded protein sequence. Algorithms developed to predict the effect of missense changes on protein structure and function are either unavailable or do not agree on the potential impact of this missense change. The variant was absent in 251306 control chromosomes. The available data on variant occurrences in the general population are insufficient to allow any conclusion about variant significance. To our knowledge, no occurrence of c.3385T>C in individuals affected with PEX1-related conditions and no experimental evidence demonstrating its impact on protein function have been reported. No submitters have cited clinical-significance assessments for this variant to ClinVar. Based on the evidence outlined above, the variant was classified as uncertain significance.